The following is an entry in ClinVar:

ClinVar aggregate classification (germline): Uncertain significance. Review status: criteria provided, multiple submitters, no conflicts (2 of 4 stars). 2 submissions from 2 submitters: Uncertain significance (2). Last evaluated 2024-07-09.

Conditions:
Inborn genetic diseases. Identifiers: MedGen C0950123, MeSH D030342.

Allele frequency attached by ClinVar (database versions not stated): gnomAD exomes below 0.00001; TOPMed 0.00001; gnomAD 0.00003.
gnomAD v4.1: 7 of 1,613,838 alleles (0.00043%); highest among the groups gnomAD compares: African/African-American, 0.004%; no homozygotes.

Submissions (2):

Ambry Genetics
Classification: Uncertain significance for Inborn genetic diseases. Last evaluated: 2024-07-09. Review status: criteria provided, single submitter. Criteria: Ambry Variant Classification Scheme 2023. Collection method: clinical testing. Allele origin: germline.

Labcorp Genetics (formerly Invitae), Labcorp
Classification: Uncertain significance. Last evaluated: 2024-01-02. Review status: criteria provided, single submitter. Criteria: Invitae Variant Classification Sherloc (09022015). Collection method: clinical testing. Allele origin: germline.
Comment: This sequence change replaces threonine, which is neutral and polar, with isoleucine, which is neutral and non-polar, at codon 1288 of the FN1 protein (p.Thr1288Ile). This variant is present in population databases (no rsID available, gnomAD 0.007%). This variant has not been reported in the literature in individuals affected with FN1-related conditions. An algorithm developed to predict the effect of missense changes on protein structure and function (PolyPhen-2) suggests that this variant is likely to be disruptive. In summary, the available evidence is currently insufficient to determine the role of this variant in disease. Therefore, it has been classified as a Variant of Uncertain Significance.

NM_212482.4(FN1):c.3863C>T (p.Thr1288Ile)

Gene: FN1 (fibronectin 1; minus strand). Cytogenetic location: 2q35.
Variant type: single nucleotide variant.
Coding change: c.3863C>T on transcript NM_212482.4 (MANE Select); coding-DNA position 3863, C replaced by T.
Protein change: p.Thr1288Ile; replaces threonine 1288 with isoleucine.
Molecular consequence: missense variant. On other transcripts: intron variant (10).
Genome position (GRCh38, 1-based): chr2:215,393,137, G>A on the plus strand (C>T on the coding strand, the complement: FN1 is on the minus strand). VCF-style: chr2-215393137-G-A. GRCh37 (hg19) VCF-style: chr2-216257860-G-A.
Other names: c.3863C>T (NM_212482.1); c.3863C>T, p.Thr1288Ile (NM_001306129.2, NM_001306130.2, NM_001365517.2 and 3 more transcripts); c.3797-1323C>T (NM_212474.3, NM_001306132.2, NM_001365523.2 and 7 more transcripts); short protein forms T1288I.
Identifiers: ClinVar variation 2966201 (VCV002966201.4), dbSNP rs904564826, ClinGen allele CA64862436.